The following is an entry in ClinVar:

NM_001374736.1(DST):c.17800C>T (p.Arg5934Trp)

Gene: DST (dystonin; minus strand). Cytogenetic location: 6p12.1.
Variant type: single nucleotide variant.
Coding change: c.17800C>T on transcript NM_001374736.1 (MANE Select); coding-DNA position 17800, C replaced by T.
Protein change: p.Arg5934Trp; replaces arginine 5934 with tryptophan.
Molecular consequence: missense variant.
Genome position (GRCh38, 1-based): chr6:56,527,615, G>A on the plus strand (C>T on the coding strand, the complement: DST is on the minus strand). VCF-style: chr6-56527615-G-A. GRCh37 (hg19) VCF-style: chr6-56392413-G-A.
Other names: c.11443C>T, p.Arg3815Trp (NM_001144769.5); c.11029C>T, p.Arg3677Trp (NM_001144770.2); c.17800C>T, p.Arg5934Trp (NM_001374722.1); c.16840C>T, p.Arg5614Trp (NM_001374729.1); c.10582C>T, p.Arg3528Trp (NM_001374730.1); c.17827C>T, p.Arg5943Trp (NM_001374734.1); c.10909C>T, p.Arg3637Trp (NM_001386100.1, NM_183380.4); c.9931C>T, p.Arg3311Trp (NM_015548.5); short protein forms R3311W, R5614W, R3528W, R5934W, R3677W, R3815W, R3637W, R5943W.
Identifiers: ClinVar variation 1355594 (VCV001355594.6), dbSNP rs759629888, ClinGen allele CA3867362.

ClinVar aggregate classification (germline): Uncertain significance. Review status: criteria provided, multiple submitters, no conflicts (2 of 4 stars). 3 submissions from 3 submitters: Uncertain significance (3). Last evaluated 2024-10-19.

Conditions:
Epidermolysis bullosa simplex 3, localized or generalized intermediate, with BP230 deficiency (EBS3). Also called: Epidermolysis bullosa simplex, autosomal recessive 2; Epidermolysis bullosa simplex due to BP230 deficiency. Identifiers: Orphanet 412181, MedGen C3809470, MONDO:0014180, OMIM 615425.
Hereditary sensory and autonomic neuropathy type 6. Also called: Neuropathy, hereditary sensory and autonomic, type VI; HSAN VI. Identifiers: Orphanet 314381, MedGen C3539003, MONDO:0013839, OMIM 614653.

Allele frequency attached by ClinVar (database versions not stated): TOPMed 0.00002; gnomAD 0.00009 and 0.00010.
gnomAD v4.1: 47 of 1,613,674 alleles (0.0029%); highest among the groups gnomAD compares: Middle Eastern, 0.016%; no homozygotes.

Submissions (3):

Labcorp Genetics (formerly Invitae), Labcorp
Classification: Uncertain significance for Epidermolysis bullosa simplex 3, localized or generalized intermediate, with BP230 deficiency; Hereditary sensory and autonomic neuropathy type 6. Last evaluated: 2024-10-19. Review status: criteria provided, single submitter. Criteria: Invitae Variant Classification Sherloc (09022015). Collection method: clinical testing. Allele origin: germline.
Comment: The DST gene has multiple clinically relevant transcripts. This variant occurs in alternate transcript NM_015548.4, and corresponds to NM_001723.5:c.*87902C>T in the primary transcript. This sequence change replaces arginine, which is basic and polar, with tryptophan, which is neutral and slightly polar, at codon 3311 of the DST protein (p.Arg3311Trp). This variant is present in population databases (rs759629888, gnomAD 0.01%). This variant has not been reported in the literature in individuals affected with DST-related conditions. Experimental studies and prediction algorithms are not available or were not evaluated, and the functional significance of this variant is currently unknown. In summary, the available evidence is currently insufficient to determine the role of this variant in disease. Therefore, it has been classified as a Variant of Uncertain Significance.

Blueprint Genetics
Classification: Uncertain significance. Last evaluated: 2024-05-14. Review status: criteria provided, single submitter. Criteria: ACMG Guidelines, 2015. Collection method: clinical testing. Allele origin: germline.

Breakthrough Genomics
Classification: Uncertain significance. Review status: criteria provided, single submitter. Criteria: ACMG Guidelines, 2015. Collection method: not provided. Allele origin: germline. Inheritance: Autosomal recessive inheritance. Affected: yes.